The following is an entry in ClinVar:

ClinVar aggregate classification (germline): Uncertain significance. Review status: criteria provided, multiple submitters, no conflicts (2 of 4 stars). 3 submissions from 3 submitters: Uncertain significance (3). Last evaluated 2026-03-06.

Conditions:
Familial thoracic aortic aneurysm and aortic dissection (TAAD). Also called: Thoracic aortic aneurysms and dissections. Identifiers: Orphanet 91387, MedGen C4707243, MONDO:0019625.
Ehlers-Danlos syndrome, type 4 (EDSVASC). Also called: Ehlers-Danlos syndrome vascular type; Ehlers Danlos syndrome, ecchymotic type; Ehlers Danlos syndrome, arterial type; Ehlers Danlos syndrome, Sack-Barabas type; Ehlers-Danlos Syndrome Type IV. Identifiers: Orphanet 286, MedGen C0268338, MONDO:0017314, OMIM 130050.

Allele frequency attached by ClinVar (database versions not stated): TOPMed 0.00001.
gnomAD v4.1: 1 of 1,613,102 alleles (0.000062%); highest among the groups gnomAD compares: South Asian, 0.0011%; no homozygotes.

Submissions (3):

Dasa
Classification: Uncertain significance. Last evaluated: 2026-03-06. Review status: criteria provided, single submitter. Criteria: DASA Assertion Criteria. Collection method: clinical testing. Allele origin: germline.
Comment: NM_000090.4(COL3A1):c.1662+4T>G is a splice-region variant predicted to affect normal RNA splicing. This variant affects a splice-region context with prior evidence supporting clinical relevance. This variant is rare in population databases. Computational prediction algorithms are consistent with a deleterious effect. The currently available literature and clinical evidence are not sufficient to establish a definitive association between this variant and the reported condition. Therefore, this variant is classified as a variant of uncertain significance.

Labcorp Genetics (formerly Invitae), Labcorp
Classification: Uncertain significance for Ehlers-Danlos syndrome, type 4. Last evaluated: 2022-01-16. Review status: criteria provided, single submitter. Criteria: Invitae Variant Classification Sherloc (09022015). Collection method: clinical testing. Allele origin: germline.
Comment: In summary, the available evidence is currently insufficient to determine the role of this variant in disease. Therefore, it has been classified as a Variant of Uncertain Significance. Variants that disrupt the consensus splice site are a relatively common cause of aberrant splicing (PMID: 17576681, 9536098). Algorithms developed to predict the effect of sequence changes on RNA splicing suggest that this variant may create or strengthen a splice site. ClinVar contains an entry for this variant (Variation ID: 926723). This variant has not been reported in the literature in individuals affected with COL3A1-related conditions. This variant is not present in population databases (gnomAD no frequency). This sequence change falls in intron 23 of the COL3A1 gene. It does not directly change the encoded amino acid sequence of the COL3A1 protein. It affects a nucleotide within the consensus splice site.

Color Diagnostics, LLC DBA Color Health
Classification: Uncertain significance for Familial thoracic aortic aneurysm and aortic dissection. Last evaluated: 2019-02-10. Review status: criteria provided, single submitter. Criteria: ACMG Guidelines, 2015. Collection method: clinical testing. Allele origin: germline.
Comment: Variant of Uncertain Significance due to insufficient evidence: This variant is located close to the intron 23 splice donor site of the COL3A1 gene. Computational splicing tools predict that this variant may disrupt RNA splicing by creating a new splice donor site. To our knowledge, functional assays have not been performed for this variant nor has this variant been reported in individuals affected with cardiovascular disorders in the literature. This variant is rare in the general population and has been identified in 0/277264 chromosomes by the Genome Aggregation Database (gnomAD). Available evidence is insufficient to determine the role of this variant in disease conclusively.

Literature cited by the submitters: PubMed 17576681 (cited by Labcorp Genetics (formerly Invitae), Labcorp); PubMed 9536098 (cited by Labcorp Genetics (formerly Invitae), Labcorp).

NM_000090.4(COL3A1):c.1662+4T>G

Gene: COL3A1 (collagen type III alpha 1 chain; plus strand). Cytogenetic location: 2q32.2.
Variant type: single nucleotide variant.
Coding change: c.1662+4T>G on transcript NM_000090.4 (MANE Select); 4 bases into the intron after coding-DNA position 1662, T replaced by G.
Molecular consequence: intron variant.
Genome position (GRCh38, 1-based): chr2:188,996,182, T>G. VCF-style: chr2-188996182-T-G. GRCh37 (hg19) VCF-style: chr2-189860908-T-G.
Identifiers: ClinVar variation 926723 (VCV000926723.10), dbSNP rs1319321003, ClinGen allele CA762196947.